The following is an entry in ClinVar:

NM_014679.5(CEP57):c.691G>C (p.Ala231Pro)

Gene: CEP57 (centrosomal protein 57; plus strand). Cytogenetic location: 11q21.
Variant type: single nucleotide variant.
Coding change: c.691G>C on transcript NM_014679.5 (MANE Select); coding-DNA position 691, G replaced by C.
Protein change: p.Ala231Pro; replaces alanine 231 with proline.
Molecular consequence: missense variant.
Genome position (GRCh38, 1-based): chr11:95,818,896, G>C. VCF-style: chr11-95818896-G-C. GRCh37 (hg19) VCF-style: chr11-95552060-G-C.
Other names: c.664G>C, p.Ala222Pro (NM_001243776.2); c.691G>C, p.Ala231Pro (NM_001243777.2); c.610G>C, p.Ala204Pro (NM_001363604.2); short protein forms A204P, A222P, A231P.
Identifiers: ClinVar variation 4001049 (VCV004001049.1).
Genomic context (GRCh38, chr11:95,818,896, plus strand): 5'-CAAGAGTTGGAAGCAAAACTCCATGAAGAAGAACAGGAAAGGAAACGCATGCAAGCTAAG[G>C]CAGCTGAGGTAAGTTAAAATGTGAGAAAGTGGGCTCTTCATATTTCTTACCGCTTTTTGT-3'
Protein context (NP_055494.2, residues 221-241): EQERKRMQAK[Ala231Pro]AELQTGLETN

ClinVar aggregate classification (germline): Uncertain significance (1 of 4 stars; one submission).

Conditions:
Inborn genetic diseases. Identifiers: MedGen C0950123, MeSH D030342.

Submission:

Ambry Genetics
Classification: Uncertain significance for Inborn genetic diseases. Last evaluated: 2025-05-16. Review status: criteria provided, single submitter. Criteria: Ambry Variant Classification Scheme 2023. Collection method: clinical testing. Allele origin: germline.
Comment: The p.A231P variant (also known as c.691G>C), located in coding exon 6 of the CEP57 gene, results from a G to C substitution at nucleotide position 691. The alanine at codon 231 is replaced by proline, an amino acid with highly similar properties. This amino acid position is conserved. In addition, this alteration is predicted to be deleterious by in silico analysis. Based on the available evidence, the clinical significance of this variant remains unclear.